The following is an entry in ClinVar:

NC_000010.11:g.13300047_13300065delinsCCCGGCCTCTG

Genes: PHYH (phytanoyl-CoA 2-hydroxylase; minus strand), LOC130003374 (ATAC-STARR-seq lymphoblastoid silent region 2152; plus strand). Cytogenetic location: 10p13.
Variant type: Indel.
Genome position: GRCh38 VCF-style: chr10-13300047-GCGGCGCGGGGAACCCCCA-CCCGGCCTCTG. GRCh37 (hg19) VCF-style: chr10-13342047-GCGGCGCGGGGAACCCCCA-CCCGGCCTCTG.
Identifiers: ClinVar variation 5003499 (VCV005003499.1).
Genomic context (GRCh38, chr10:13,300,047, plus strand): 5'-CGGCCGAGGTGGCCCAGAACAATCTGCAGACGGGCGGCGGCGCGAAGCTGCTCCATGGCT[GCGGCGCGGGGAACCCCCA>CCCGGCCTCTG]CCCCTCCCGGCCTCTGCCCCATTTAGCCCAGCGGGCGGCTCCGCCTCCAGGCGCCGCCCC-3'

ClinVar aggregate classification (germline): Uncertain significance (1 of 4 stars; one submission).

Conditions:
Refsum disease, classic. Also called: HEREDOPATHIA ATACTICA POLYNEURITIFORMIS; HMSN IV; PHYTANIC ACID OXIDASE DEFICIENCY; PHYH-Related Refsum Disease. Identifiers: Orphanet 773, MedGen C5780941, MONDO:1060256, OMIM 266500. Disease mechanism: loss of function.

Submission:

Myriad Genetics, Inc.
Classification: Uncertain significance for Refsum disease, classic. Last evaluated: 2026-02-02. Review status: criteria provided, single submitter. Criteria: Myriad Autosomal Dominant, Autosomal Recessive and X-Linked Classification Criteria (2023). Collection method: clinical testing. Allele origin: unknown.
Comment: NM_006214.3(PHYH):c.-23_-5del19ins11 is a 5' non-coding variant classified as a variant of uncertain significance in the context of Refsum disease, PHYH-related. c.-23_-5del19ins11 has not been observed in cases with relevant disease. Relevant functional assessments of this variant are not available in the literature. c.-23_-5del19ins11 has not been observed in referenced population frequency databases. In summary, there is insufficient evidence to classify NM_006214.3(PHYH):c.-23_-5del19ins11 as pathogenic or benign. Please note: this variant was assessed in the context of healthy population screening.